The following is an entry in ClinVar:

ClinVar aggregate classification (germline): Pathogenic/Likely pathogenic. Review status: criteria provided, multiple submitters, no conflicts (2 of 4 stars). 2 submissions from 2 submitters: Pathogenic (1); Likely pathogenic (1). Last evaluated 2021-10-13.

Conditions:
Frontotemporal dementia and/or amyotrophic lateral sclerosis 4. Also called: FTDALS4. Identifiers: Orphanet 275872, MedGen C4225325, MONDO:0014641, OMIM 616439.

Submissions (2):

Labcorp Genetics (formerly Invitae), Labcorp
Classification: Pathogenic for Frontotemporal dementia and/or amyotrophic lateral sclerosis 4. Last evaluated: 2021-10-13. Review status: criteria provided, single submitter. Criteria: Invitae Variant Classification Sherloc (09022015). Collection method: clinical testing. Allele origin: germline.
Comment: ClinVar contains an entry for this variant (Variation ID: 1027795). This variant has not been reported in the literature in individuals affected with TBK1-related conditions. This variant is not present in population databases (ExAC no frequency). This sequence change creates a premature translational stop signal (p.Glu385*) in the TBK1 gene. It is expected to result in an absent or disrupted protein product. Loss-of-function variants in TBK1 are known to be pathogenic (PMID: 25803835, 26476236, 26581300). Algorithms developed to predict the effect of sequence changes on RNA splicing suggest that this variant may create or strengthen a splice site. For these reasons, this variant has been classified as Pathogenic.

Baylor Genetics
Classification: Likely pathogenic for Frontotemporal dementia and/or amyotrophic lateral sclerosis 4. Last evaluated: 2020-07-09. Review status: criteria provided, single submitter. Criteria: ACMG Guidelines, 2015. Collection method: clinical testing. Allele origin: unknown. Affected: yes.
Comment: This variant was determined to be likely pathogenic according to ACMG Guidelines, 2015 [PMID:25741868].

Literature cited by the submitters: PubMed 25803835 (cited by Labcorp Genetics (formerly Invitae), Labcorp); PubMed 26476236 (cited by Labcorp Genetics (formerly Invitae), Labcorp); PubMed 26581300 (cited by Labcorp Genetics (formerly Invitae), Labcorp).

NM_013254.4(TBK1):c.1153G>T (p.Glu385Ter)

Gene: TBK1 (TANK binding kinase 1; plus strand). Cytogenetic location: 12q14.2.
Variant type: single nucleotide variant.
Coding change: c.1153G>T on transcript NM_013254.4 (MANE Select); coding-DNA position 1153, G replaced by T.
Protein change: p.Glu385Ter; replaces glutamic acid 385 with a stop codon.
Molecular consequence: nonsense.
Genome position (GRCh38, 1-based): chr12:64,484,463, G>T. VCF-style: chr12-64484463-G-T. GRCh37 (hg19) VCF-style: chr12-64878243-G-T.
Other names: short protein forms E385*.
Identifiers: ClinVar variation 1027795 (VCV001027795.6), dbSNP rs765106259, ClinGen allele CA385600374.
Genomic context (GRCh38, chr12:64,484,463, plus strand): 5'-AGGCTGGCACAACATTTCCCTAAAACTACTGAGGAAAACCCTATATTTGTAGTAAGCCGG[G>T]AACCTCTGAATACCATAGGATTAATATATGAAAAAAGTAAGTTGGGATTTTTCTTGTCGT-3'